The following is an entry in ClinVar:

ClinVar aggregate classification (germline): Uncertain significance (1 of 4 stars; one submission).

Conditions:
NIK deficiency. Also called: Primary immunodeficiency with multifaceted aberrant lymphoid immunity. Identifiers: Orphanet 447731, MedGen C5680065, MONDO:0018642.

Submission:

Labcorp Genetics (formerly Invitae), Labcorp
Classification: Uncertain significance for NIK deficiency. Last evaluated: 2019-12-06. Review status: criteria provided, single submitter. Criteria: Invitae Variant Classification Sherloc (09022015). Collection method: clinical testing. Allele origin: germline.
Comment: This sequence change creates a premature translational stop signal (p.Ala710Glufs*22) in the MAP3K14 gene. It is expected to result in an absent or disrupted protein product. In summary, the available evidence is currently insufficient to determine the role of this variant in disease. Therefore, it has been classified as a Variant of Uncertain Significance. The current clinical and genetic evidence is not sufficient to establish whether loss-of-function variants in MAP3K14 cause disease. This variant has not been reported in the literature in individuals with MAP3K14-related conditions. This variant is not present in population databases (ExAC no frequency).

NM_003954.5(MAP3K14):c.2127_2128dup (p.Ala710fs)

Genes: MAP3K14 (mitogen-activated protein kinase kinase kinase 14; minus strand), MAP3K14-AS1 (MAP3K14 antisense RNA 1; plus strand), LOC126862575 (CDK7 strongly-dependent group 2 enhancer GRCh37_chr17:43344006-43345205; plus strand). Cytogenetic location: 17q21.31.
Variant type: Microsatellite.
Coding change: c.2127_2128dup on transcript NM_003954.5 (MANE Select); coding-DNA positions 2127 to 2128, 2 bases duplicated (AG; older notation c.2127_2128dupAG).
Protein change: p.Ala710fs; shifts the reading frame from alanine 710.
Molecular consequence: frameshift variant.
Genome position (GRCh38, 1-based): chr17:45,267,604-45,267,605, CT duplicated on the plus strand (AG on the coding strand, the reverse complement: MAP3K14 is on the minus strand); duplicating any 2 consecutive bases within chr17:45,267,604-45,267,607 gives the same sequence; the c. name uses the placement nearest the transcript's 3' end. VCF-style (leftmost placement, unchanged base first): chr17-45267603-G-GCT. GRCh37 (hg19) VCF-style: chr17-43344970-G-GCT.
Other names: short protein forms A710fs.
Identifiers: ClinVar variation 837870 (VCV000837870.8), dbSNP rs2044102461, ClinGen allele CA916083545.
Genomic context (GRCh38, chr17:45,267,603, plus strand): 5'-AAGGGAGGAGACTTGTTTGGCTCTGGGGGCTCTGGTGGGAGAGGAGGCTGGAGCTTAGGG[G>GCT]CTCTGCCTGTTGTCTCCTCAGCTGGCCGGGGCCCTGGGGCCCTTGGCGAAAGCTCTCTCG-3'